The following is an entry in ClinVar:

ClinVar aggregate classification (germline): Uncertain significance. Review status: criteria provided, multiple submitters, no conflicts (2 of 4 stars). 2 submissions from 2 submitters: Uncertain significance (2). Last evaluated 2024-10-26.

Conditions:
Inborn genetic diseases. Identifiers: MedGen C0950123, MeSH D030342.

Allele frequency attached by ClinVar (database versions not stated): gnomAD exomes below 0.00001; gnomAD 0.00003 and 0.00004; TOPMed 0.00003.
gnomAD v4.1: 12 of 1,592,028 alleles (0.00075%); highest among the groups gnomAD compares: African/African-American, 0.0094%; no homozygotes.

Submissions (2):

Labcorp Genetics (formerly Invitae), Labcorp
Classification: Uncertain significance. Last evaluated: 2024-10-26. Review status: criteria provided, single submitter. Criteria: Invitae Variant Classification Sherloc (09022015). Collection method: clinical testing. Allele origin: germline.
Comment: This sequence change replaces aspartic acid, which is acidic and polar, with glycine, which is neutral and non-polar, at codon 60 of the CAPN5 protein (p.Asp60Gly). This variant is present in population databases (no rsID available, gnomAD 0.009%). This variant has not been reported in the literature in individuals affected with CAPN5-related conditions. ClinVar contains an entry for this variant (Variation ID: 1051865). Invitae Evidence Modeling of protein sequence and biophysical properties (such as structural, functional, and spatial information, amino acid conservation, physicochemical variation, residue mobility, and thermodynamic stability) has been performed for this missense variant. However, the output from this modeling did not meet the statistical confidence thresholds required to predict the impact of this variant on CAPN5 protein function. In summary, the available evidence is currently insufficient to determine the role of this variant in disease. Therefore, it has been classified as a Variant of Uncertain Significance.

Ambry Genetics
Classification: Uncertain significance for Inborn genetic diseases. Last evaluated: 2024-06-07. Review status: criteria provided, single submitter. Criteria: Ambry Variant Classification Scheme 2023. Collection method: clinical testing. Allele origin: germline.

NM_004055.5(CAPN5):c.179A>G (p.Asp60Gly)

Gene: CAPN5 (calpain 5; plus strand). Cytogenetic location: 11q13.5.
Variant type: single nucleotide variant.
Coding change: c.179A>G on transcript NM_004055.5 (MANE Select); coding-DNA position 179, A replaced by G.
Protein change: p.Asp60Gly; replaces aspartic acid 60 with glycine.
Molecular consequence: missense variant.
Genome position (GRCh38, 1-based): chr11:77,093,695, A>G. VCF-style: chr11-77093695-A-G. GRCh37 (hg19) VCF-style: chr11-76804741-A-G.
Other names: c.179A>G (NM_004055.4); short protein forms D60G.
Identifiers: ClinVar variation 1051865 (VCV001051865.8), dbSNP rs879952685, ClinGen allele CA224810949.